The following is an entry in ClinVar:

ClinVar aggregate classification (germline): Uncertain significance. Review status: criteria provided, multiple submitters, no conflicts (2 of 4 stars). 2 submissions from 2 submitters: Uncertain significance (2). Last evaluated 2026-04-26.

Submissions (2):

Dasa
Classification: Uncertain significance. Last evaluated: 2026-04-26. Review status: criteria provided, single submitter. Criteria: DASA Assertion Criteria. Collection method: clinical testing. Allele origin: germline.
Comment: NM_001220.5(CAMK2B):c.1120_1121delinsGT (p.Pro374Val) is an in-frame insertion/deletion-insertion predicted to alter the protein sequence without shifting the reading frame. This variant is rare in population databases. The currently available literature and clinical evidence are not sufficient to establish a definitive association between this variant and the reported condition. Therefore, this variant is classified as a variant of uncertain significance.

Labcorp Genetics (formerly Invitae), Labcorp
Classification: Uncertain significance. Last evaluated: 2024-08-12. Review status: criteria provided, single submitter. Criteria: Invitae Variant Classification Sherloc (09022015). Collection method: clinical testing. Allele origin: germline.
Comment: This sequence change replaces proline, which is neutral and non-polar, with valine, which is neutral and non-polar, at codon 374 of the CAMK2B protein (p.Pro374Val). Information on the frequency of this variant in the gnomAD database is not available, as this variant may be reported differently in the database. This variant has not been reported in the literature in individuals affected with CAMK2B-related conditions. An algorithm developed to predict the effect of missense changes on protein structure and function (PolyPhen-2) suggests that this variant is likely to be disruptive. In summary, the available evidence is currently insufficient to determine the role of this variant in disease. Therefore, it has been classified as a Variant of Uncertain Significance.

NM_001220.5(CAMK2B):c.1120_1121delinsGT (p.Pro374Val)

Gene: CAMK2B (calcium/calmodulin dependent protein kinase II beta; minus strand). Cytogenetic location: 7p13.
Variant type: Indel.
Coding change: c.1120_1121delinsGT on transcript NM_001220.5 (MANE Select); coding-DNA positions 1120 to 1121, CC replaced by GT.
Protein change: p.Pro374Val; replaces proline 374 with valine.
Molecular consequence: missense variant. On other transcripts: intron variant (3).
Genome position (GRCh38, 1-based): chr7:44,234,400-44,234,401, GG replaced by AC on the plus strand (CC replaced by GT on the coding strand, the reverse complement: CAMK2B is on the minus strand). VCF-style: chr7-44234400-GG-AC. GRCh37 (hg19) VCF-style: chr7-44273999-GG-AC.
Other names: c.1120_1121delinsGT, p.Pro374Val (NM_001293170.2, NM_172078.3); c.1048_1049delinsGT, p.Pro350Val (NM_172079.3, NM_172081.3); c.1045_1046delinsGT, p.Pro349Val (NM_172080.3); c.946+6306_946+6307delinsGT (NM_172084.3); c.987+238_987+239delinsGT (NM_172083.3); c.1059+238_1059+239delinsGT (NM_172082.3); short protein forms P349V, P350V, P374V.
Identifiers: ClinVar variation 3617538 (VCV003617538.4).